The following is an entry in ClinVar:

ClinVar aggregate classification (germline): Pathogenic/Likely pathogenic. Review status: criteria provided, multiple submitters, no conflicts (2 of 4 stars). 4 submissions from 4 submitters: Pathogenic (2); Likely pathogenic (1). 1 of the submissions does not count toward it. Last evaluated 2026-02-10.

Conditions:
PDE6B-related disorder. Also called: PDE6B-related disease; PDE6B-related condition; PDE6B-related disorders.
Retinitis pigmentosa (RP). Identifiers: Orphanet 791, MedGen C0035334, MeSH D012174, MONDO:0019200, OMIM 268000. Inheritance: Autosomal dominant, autosomal recessive and X linked inheritance.
Retinitis pigmentosa 40 (RP40). Identifiers: Orphanet 791, MedGen C3151107, MONDO:0013429, OMIM 613801.

Allele frequency attached by ClinVar (database versions not stated): ExAC 0.00001; gnomAD exomes 0.00001 and 0.00002; TOPMed 0.00001.

Submissions (4):

PreventionGenetics, part of Exact Sciences
Classification: Pathogenic for PDE6B-related condition. Last evaluated: 2026-02-10. Review status: criteria provided, single submitter. Criteria: ACMG Guidelines, 2015. Collection method: clinical testing. Allele origin: germline.
Comment: The PDE6B c.1A>G variant is predicted to disrupt the translation initiation site (Start Loss). This variant has been reported in the homozygous state in individuals with retinitis pigmentosa (see for example: supplementary data, Turro et al. 2020. PubMed ID: 32581362; supplementary data, Lin et al. 2024. PubMed ID: 38219857; supplementary table 12, Hashem et al. 2024. PubMed ID: 38364953). This variant is reported in 0.017% of alleles in individuals of Latino descent in gnomAD. This variant is interpreted as pathogenic.

3billion
Classification: Likely pathogenic for Retinitis pigmentosa 40. Last evaluated: 2024-10-18. Review status: criteria provided, single submitter. Criteria: ACMG Guidelines, 2015. Collection method: clinical testing. Allele origin: germline. Affected: yes.
Comment: The variant is observed at an extremely low frequency in the gnomAD v4.1.0 dataset (total allele frequency: <0.001%). Predicted Consequence/Location: Start-lost: reinitiation of translation may occur at a downstream alternate start codon but still result in a loss or disruption of normal protein function as there have been pathogenic variants reported upstream of the alternate start codon. The variant has been reported to be in trans with a pathogenic variant as either compound heterozygous or homozygous in at least one similarly affected unrelated individual (PMID: 28041643). The variant has been reported to be associated with PDE6B related disorder (ClinVar ID: VCV000438191 /PMID: 28041643). Therefore, this variant is classified as Likely pathogenic according to the recommendation of ACMG/AMP guideline.

Blueprint Genetics
Classification: Pathogenic for PDE6B-related disorders. Last evaluated: 2023-12-11. Review status: criteria provided, single submitter. Criteria: ACMG Guidelines, 2015. Collection method: clinical testing. Allele origin: germline. Affected: yes. Observed: 2 variant alleles.

NIHR Bioresource Rare Diseases, University of Cambridge
Classification: Likely pathogenic for Retinitis pigmentosa. Last evaluated: 2015-01-01. Review status: no assertion criteria provided. Collection method: research. Allele origin: unknown. Affected: yes. Observed: 1 variant allele. Not counted in ClinVar's aggregate classification.

Literature cited by the submitters: PubMed 28041643 (cited by 3billion and NIHR Bioresource Rare Diseases, University of Cambridge).

NM_000283.4(PDE6B):c.1A>G (p.Met1Val)

Gene: PDE6B (phosphodiesterase 6B; plus strand). Cytogenetic location: 4p16.3.
Variant type: single nucleotide variant.
Coding change: c.1A>G on transcript NM_000283.4 (MANE Select); coding-DNA position 1, A replaced by G.
Protein change: p.Met1Val; changes the start codon (methionine 1).
Molecular consequence: missense variant, initiator codon variant.
Genome position (GRCh38, 1-based): chr4:625,627, A>G. VCF-style: chr4-625627-A-G. GRCh37 (hg19) VCF-style: chr4-619416-A-G.
Other names: c.1A>G, p.Met1Val (NM_001145291.2); short protein forms M1V.
Identifiers: ClinVar variation 438191 (VCV000438191.6), dbSNP rs781003757, ClinGen allele CA2793817.